The following is an entry in ClinVar:

NM_001134831.2(AHI1):c.878T>C (p.Met293Thr)

Gene: AHI1 (Abelson helper integration site 1; minus strand). Cytogenetic location: 6q23.3.
Variant type: single nucleotide variant.
Coding change: c.878T>C on transcript NM_001134831.2 (MANE Select); coding-DNA position 878, T replaced by C.
Protein change: p.Met293Thr; replaces methionine 293 with threonine.
Molecular consequence: missense variant.
Genome position (GRCh38, 1-based): chr6:135,463,178, A>G on the plus strand (T>C on the coding strand, the complement: AHI1 is on the minus strand). VCF-style: chr6-135463178-A-G. GRCh37 (hg19) VCF-style: chr6-135784316-A-G.
Other names: c.878T>C, p.Met293Thr (NM_001134832.2, NM_001350503.2, NM_001350504.2 and 2 more transcripts); short protein forms M293T.
Identifiers: ClinVar variation 1302896 (VCV001302896.8), dbSNP rs759553258, ClinGen allele CA4012735.

ClinVar aggregate classification (germline): Uncertain significance. Review status: criteria provided, multiple submitters, no conflicts (2 of 4 stars). 5 submissions from 5 submitters: Uncertain significance (5). Last evaluated 2026-08-27.

Conditions:
Joubert syndrome. Also called: JOUBERT-BOLTSHAUSER SYNDROME; Familial aplasia of the vermis. Identifiers: Orphanet 475, MedGen C5979921, MONDO:0018772.
Inborn genetic diseases. Identifiers: MedGen C0950123, MeSH D030342.
AHI1-related disorder. Also called: AHI1-related condition.
Joubert syndrome 3 (JBTS3). Also called: AHI1-related Ciliopathy. Identifiers: Orphanet 220493, MedGen C1837713, MONDO:0012078, OMIM 608629.

Allele frequency attached by ClinVar (database versions not stated): ExAC 0.00001; gnomAD 0.00001; gnomAD exomes 0.00001.
gnomAD v4.1: 31 of 1,607,494 alleles (0.0019%); highest among the groups gnomAD compares: African/African-American, 0.0041%; no homozygotes.

Submissions (5):

Ambry Genetics
Classification: Uncertain significance for Inborn genetic diseases. Last evaluated: 2026-08-27. Review status: criteria provided, single submitter. Criteria: Ambry Variant Classification Scheme 2023. Collection method: clinical testing. Allele origin: germline.
Comment: The c.878T>C (p.M293T) alteration is located in exon 7 (coding exon 5) of the AHI1 gene. This alteration results from a T to C substitution at nucleotide position 878, causing the methionine (M) at amino acid position 293 to be replaced by a threonine (T). Based on data from gnomAD, the C allele has an overall frequency of 0.001% (2/247192) total alleles studied. The highest observed frequency was 0.002% (2/112512) of European (non-Finnish) alleles. Based on insufficient or conflicting evidence, the clinical significance of this alteration remains unclear.

PreventionGenetics, part of Exact Sciences
Classification: Uncertain significance for AHI1-related condition. Last evaluated: 2026-08-27. Review status: criteria provided, single submitter. Criteria: ACMG Guidelines, 2015. Collection method: clinical testing. Allele origin: germline.
Comment: The AHI1 c.878T>C variant is predicted to result in the amino acid substitution p.Met293Thr. To our knowledge, this variant has not been reported in the literature. This variant is reported in 0.0018% of alleles in individuals of European (Non-Finnish) descent in gnomAD. At this time, the clinical significance of this variant is uncertain due to the absence of conclusive functional and genetic evidence.

Labcorp Genetics (formerly Invitae), Labcorp
Classification: Uncertain significance for Joubert syndrome. Last evaluated: 2022-05-08. Review status: criteria provided, single submitter. Criteria: Invitae Variant Classification Sherloc (09022015). Collection method: clinical testing. Allele origin: germline.
Comment: This sequence change replaces methionine, which is neutral and non-polar, with threonine, which is neutral and polar, at codon 293 of the AHI1 protein (p.Met293Thr). This variant is present in population databases (rs759553258, gnomAD 0.002%). This variant has not been reported in the literature in individuals affected with AHI1-related conditions. ClinVar contains an entry for this variant (Variation ID: 1302896). Advanced modeling of protein sequence and biophysical properties (such as structural, functional, and spatial information, amino acid conservation, physicochemical variation, residue mobility, and thermodynamic stability) performed at Invitae indicates that this missense variant is not expected to disrupt AHI1 protein function. In summary, the available evidence is currently insufficient to determine the role of this variant in disease. Therefore, it has been classified as a Variant of Uncertain Significance.

GeneDx
Classification: Uncertain significance. Last evaluated: 2021-10-27. Review status: criteria provided, single submitter. Criteria: GeneDx Variant Classification Process June 2021. Collection method: clinical testing. Allele origin: germline. Affected: yes.
Comment: Not observed at significant frequency in large population cohorts (Lek et al., 2016); In silico analysis supports that this missense variant has a deleterious effect on protein structure/function; Has not been previously published as pathogenic or benign to our knowledge

Fulgent Genetics
Classification: Uncertain significance for Joubert syndrome 3. Last evaluated: 2021-08-19. Review status: criteria provided, single submitter. Criteria: ACMG Guidelines, 2015. Collection method: clinical testing. Allele origin: unknown.